The following is an entry in ClinVar:

ClinVar aggregate classification (germline): Uncertain significance. Review status: criteria provided, multiple submitters, no conflicts (2 of 4 stars). 2 submissions from 2 submitters: Uncertain significance (2). Last evaluated 2024-02-14.

Conditions:
Infantile nephronophthisis (NPHP2). Also called: Nephronophthisis 2; Nephronophthisis 2, infantile. Identifiers: Orphanet 655, Orphanet 93591, MedGen C1865872, MONDO:0011190, OMIM 602088.
Nephronophthisis. Also called: Juvenile Nephronophthisis. Identifiers: Orphanet 655, MedGen C0687120, MONDO:0019005, HP:0000090.

Allele frequency attached by ClinVar (database versions not stated): gnomAD exomes below 0.00001.
gnomAD v4.1: 2 of 1,613,978 alleles (0.00012%); highest among the groups gnomAD compares: Non-Finnish European, 0.00017%; no homozygotes.

Submissions (2):

Fulgent Genetics
Classification: Uncertain significance for Infantile nephronophthisis. Last evaluated: 2024-02-14. Review status: criteria provided, single submitter. Criteria: ACMG Guidelines, 2015. Collection method: clinical testing. Allele origin: germline.

Labcorp Genetics (formerly Invitae), Labcorp
Classification: Uncertain significance for Nephronophthisis. Last evaluated: 2022-08-22. Review status: criteria provided, single submitter. Criteria: Invitae Variant Classification Sherloc (09022015). Collection method: clinical testing. Allele origin: germline.
Comment: In summary, the available evidence is currently insufficient to determine the role of this variant in disease. Therefore, it has been classified as a Variant of Uncertain Significance. Algorithms developed to predict the effect of missense changes on protein structure and function are either unavailable or do not agree on the potential impact of this missense change (SIFT: "Deleterious"; PolyPhen-2: "Probably Damaging"; Align-GVGD: "Class C0"). ClinVar contains an entry for this variant (Variation ID: 1460846). This variant has not been reported in the literature in individuals affected with INVS-related conditions. This variant is not present in population databases (gnomAD no frequency). This sequence change replaces histidine, which is basic and polar, with arginine, which is basic and polar, at codon 154 of the INVS protein (p.His154Arg).

NM_014425.5(INVS):c.461A>G (p.His154Arg)

Gene: INVS (inversin; plus strand). Cytogenetic location: 9q31.1.
Variant type: single nucleotide variant.
Coding change: c.461A>G on transcript NM_014425.5 (MANE Select); coding-DNA position 461, A replaced by G.
Protein change: p.His154Arg; replaces histidine 154 with arginine.
Molecular consequence: missense variant. On other transcripts: 5 prime UTR variant (1), non-coding transcript variant (1).
Genome position (GRCh38, 1-based): chr9:100,229,673, A>G. VCF-style: chr9-100229673-A-G. GRCh37 (hg19) VCF-style: chr9-102991955-A-G.
Other names: c.173A>G, p.His58Arg (NM_001318381.2); c.-529A>G (NM_001318382.2); short protein forms H154R, H58R.
Identifiers: ClinVar variation 1460846 (VCV001460846.7), dbSNP rs1386694263, ClinGen allele CA374360328.